The following is an entry in ClinVar:

NM_025137.4(SPG11):c.2897G>A (p.Arg966His)

Gene: SPG11 (SPG11 vesicle trafficking associated, spatacsin; minus strand). Cytogenetic location: 15q21.1.
Variant type: single nucleotide variant.
Coding change: c.2897G>A on transcript NM_025137.4 (MANE Select); coding-DNA position 2897, G replaced by A.
Protein change: p.Arg966His; replaces arginine 966 with histidine.
Molecular consequence: missense variant.
Genome position (GRCh38, 1-based): chr15:44,615,504, C>T on the plus strand (G>A on the coding strand, the complement: SPG11 is on the minus strand). VCF-style: chr15-44615504-C-T. GRCh37 (hg19) VCF-style: chr15-44907702-C-T.
Other names: p.Arg966His; c.2897G>A, p.Arg966His (NM_001160227.2); short protein forms R966H.
Identifiers: ClinVar variation 534861 (VCV000534861.32), dbSNP rs200281262, ClinGen allele CA7535109.
Genomic context (GRCh38, chr15:44,615,504, plus strand): 5'-CAACCTTCTTTGGTCTTGTAGTTTTGAACAGGGAGGGTATCCTGTATTACACCTCCAATA[C>T]GGCTCAGTCTTAGGAGGAAGCATTCAAAGTCTTCCAGTTCAGATGCCAAAAAAACCCCAT-3'
Protein context (NP_079413.3, residues 956-976): DFECFLLRLS[Arg966His]IGGVIQDTLP

ClinVar aggregate classification (germline): Uncertain significance. Review status: criteria provided, multiple submitters, no conflicts (2 of 4 stars). 11 submissions from 9 submitters: Uncertain significance (11). Last evaluated 2025-08-31.

Conditions:
Charcot-Marie-Tooth disease axonal type 2X. Also called: CHARCOT-MARIE-TOOTH DISEASE, AXONAL, AUTOSOMAL RECESSIVE, TYPE 2X; CHARCOT-MARIE-TOOTH NEUROPATHY, TYPE 2X. Identifiers: Orphanet 466775, MedGen C5569024, MONDO:0014726, OMIM 616668.
Amyotrophic lateral sclerosis type 5 (ALS5). Also called: AMYOTROPHIC LATERAL SCLEROSIS 5, JUVENILE. Identifiers: Orphanet 300605, MedGen C1865864, MONDO:0011196, OMIM 602099.
Hereditary spastic paraplegia 11. Also called: SPASTIC PARAPLEGIA, AUTOSOMAL RECESSIVE, COMPLICATED, WITH THIN CORPUS CALLOSUM; SPASTIC PARAPLEGIA, AUTOSOMAL RECESSIVE, WITH MENTAL IMPAIRMENT AND THIN CORPUS CALLOSUM; Spastic Paraplegia 11; Nakamura Osame syndrome; Autosomal recessive hereditary spastic paraplegia, mental impairment, and thin corpus callosum; Spastic paraplegia, mental retardation and thin corpus callosum. Identifiers: Orphanet 2822, MedGen C1858479, MONDO:0011445, OMIM 604360.
Inborn genetic diseases. Identifiers: MedGen C0950123, MeSH D030342.
Hereditary spastic paraplegia. Also called: Familial spastic paraparesis. Identifiers: Orphanet 685, MedGen C0037773, MONDO:0019064. Disease mechanism: loss of function.

Allele frequency attached by ClinVar (database versions not stated): ESP Exome Variant Server 0.00008; TOPMed 0.00015; gnomAD exomes 0.00017; gnomAD 0.00019 and 0.00021; ExAC 0.00020.
gnomAD v4.1: 499 of 1,614,058 alleles (0.031%); highest among the groups gnomAD compares: Non-Finnish European, 0.038%; 1 homozygote.

Submissions (11):

Ambry Genetics
Classification: Uncertain significance for Inborn genetic diseases. Last evaluated: 2025-08-31. Review status: criteria provided, single submitter. Criteria: Ambry Variant Classification Scheme 2023. Collection method: clinical testing. Allele origin: germline.

Blueprint Genetics
Classification: Uncertain significance. Last evaluated: 2024-08-30. Review status: criteria provided, single submitter. Criteria: ACMG Guidelines, 2015. Collection method: clinical testing. Allele origin: germline.

CeGaT Center for Human Genetics Tuebingen
Classification: Uncertain significance. Last evaluated: 2024-08-01. Review status: criteria provided, single submitter. Criteria: CeGaT Center For Human Genetics Tuebingen Variant Classification Criteria Version 2. Collection method: clinical testing. Allele origin: germline. Affected: yes. Observed: 1 variant allele.
Comment: SPG11: PM2, BP4

Mayo Clinic Laboratories, Mayo Clinic
Classification: Uncertain significance. Last evaluated: 2023-11-16. Review status: criteria provided, single submitter. Criteria: ACMG Guidelines, 2015. Collection method: clinical testing. Allele origin: germline. Observed: 1 variant allele.

GeneDx
Classification: Uncertain significance. Last evaluated: 2023-05-02. Review status: criteria provided, single submitter. Criteria: GeneDx Variant Classification Process June 2021. Collection method: clinical testing. Allele origin: germline. Affected: yes.
Comment: In silico analysis supports that this missense variant does not alter protein structure/function; Has not been previously published as pathogenic or benign to our knowledge; This variant is associated with the following publications: (PMID: 32579932, 29970176, 28719003, 26740555)

Labcorp Genetics (formerly Invitae), Labcorp
Classification: Uncertain significance for Hereditary spastic paraplegia 11. Last evaluated: 2022-10-25. Review status: criteria provided, single submitter. Criteria: Invitae Variant Classification Sherloc (09022015). Collection method: clinical testing. Allele origin: germline.
Comment: This sequence change replaces arginine, which is basic and polar, with histidine, which is basic and polar, at codon 966 of the SPG11 protein (p.Arg966His). This variant is present in population databases (rs200281262, gnomAD 0.03%). This variant has not been reported in the literature in individuals affected with SPG11-related conditions. ClinVar contains an entry for this variant (Variation ID: 534861). Advanced modeling of protein sequence and biophysical properties (such as structural, functional, and spatial information, amino acid conservation, physicochemical variation, residue mobility, and thermodynamic stability) performed at Invitae indicates that this missense variant is not expected to disrupt SPG11 protein function. In summary, the available evidence is currently insufficient to determine the role of this variant in disease. Therefore, it has been classified as a Variant of Uncertain Significance.

Baylor Genetics
Classification: Uncertain significance for Amyotrophic lateral sclerosis type 5. Last evaluated: 2018-03-01. Review status: criteria provided, single submitter. Criteria: ACMG Guidelines, 2015. Collection method: clinical testing. Allele origin: unknown. Affected: yes.
Comment: This variant was determined to be of uncertain significance according to ACMG Guidelines, 2015 [PMID:25741868].

Genome Diagnostics Laboratory, The Hospital for Sick Children
Classification: Uncertain significance for Hereditary spastic paraplegia. Last evaluated: 2017-02-15. Review status: criteria provided, single submitter. Criteria: ACMG Guidelines, 2015. Collection method: clinical testing. Allele origin: germline. Affected: yes.

Genome-Nilou Lab
Classification: Uncertain significance for Amyotrophic lateral sclerosis type 5. Review status: criteria provided, single submitter. Criteria: ACMG Guidelines, 2015. Collection method: clinical testing. Allele origin: germline.

Genome-Nilou Lab
Classification: Uncertain significance for Charcot-Marie-Tooth disease axonal type 2X. Review status: criteria provided, single submitter. Criteria: ACMG Guidelines, 2015. Collection method: clinical testing. Allele origin: germline.

Genome-Nilou Lab
Classification: Uncertain significance for Hereditary spastic paraplegia 11. Review status: criteria provided, single submitter. Criteria: ACMG Guidelines, 2015. Collection method: clinical testing. Allele origin: germline.